The following is an entry in ClinVar:

ClinVar aggregate classification (germline): Uncertain significance (1 of 4 stars; one submission).

Submission:

GeneDx
Classification: Uncertain significance. Last evaluated: 2023-11-05. Review status: criteria provided, single submitter. Criteria: GeneDx Variant Classification Process June 2021. Collection method: clinical testing. Allele origin: germline. Affected: yes.
Comment: Not observed at significant frequency in large population cohorts (gnomAD); In silico analysis supports that this missense variant has a deleterious effect on protein structure/function; Has not been previously published as pathogenic or benign to our knowledge

NM_000701.8(ATP1A1):c.2132T>G (p.Ile711Ser)

Genes: ATP1A1 (ATPase Na+/K+ transporting subunit alpha 1; plus strand), ATP1A1-AS1 (ATP1A1 antisense RNA 1; minus strand). Cytogenetic location: 1p13.1.
Variant type: single nucleotide variant.
Coding change: c.2132T>G on transcript NM_000701.8 (MANE Select); coding-DNA position 2132, T replaced by G.
Protein change: p.Ile711Ser; replaces isoleucine 711 with serine.
Molecular consequence: missense variant.
Genome position (GRCh38, 1-based): chr1:116,398,628, T>G. VCF-style: chr1-116398628-T-G. GRCh37 (hg19) VCF-style: chr1-116941250-T-G.
Other names: c.2132T>G, p.Ile711Ser (NM_001160233.2); c.2039T>G, p.Ile680Ser (NM_001160234.2); short protein forms I680S, I711S.
Identifiers: ClinVar variation 3363599 (VCV003363599.1).